The following is an entry in ClinVar:

NM_001302371.3(NBPF10):c.4953T>C (p.Asp1651=)

Gene: NBPF10 (NBPF member 10; minus strand). Cytogenetic location: 1q21.1.
Variant type: single nucleotide variant.
Coding change: c.4953T>C on transcript NM_001302371.3 (MANE Select); coding-DNA position 4953, T replaced by C.
Protein change: p.Asp1651=; no amino-acid change (aspartic acid 1651 retained).
Molecular consequence: synonymous variant.
Genome position (GRCh38, 1-based): chr1:146,107,345, A>G on the plus strand (T>C on the coding strand, the complement: NBPF10 is on the minus strand). VCF-style: chr1-146107345-A-G. GRCh37 (hg19) VCF-style: chr1-145330854-T-C.
Other names: c.4953T>C, p.Asp1651= (NM_001039703.6).
Identifiers: ClinVar variation 2639099 (VCV002639099.24), dbSNP rs782089046, ClinGen allele CA1052550.

ClinVar aggregate classification (germline): Likely benign (1 of 4 stars; one submission).

Allele frequency attached by ClinVar (database versions not stated): ExAC 0.00877.

Submission:

CeGaT Center for Human Genetics Tuebingen
Classification: Likely benign. Last evaluated: 2026-02-01. Review status: criteria provided, single submitter. Criteria: CeGaT Center For Human Genetics Tuebingen Variant Classification Criteria Version 2. Collection method: clinical testing. Allele origin: germline. Affected: yes. Observed: 5 variant alleles.
Comment: NBPF10: BP4, BP7